The following is an entry in ClinVar:

NM_001082486.2(ACD):c.170C>T (p.Thr57Met)

Gene: ACD (ACD shelterin complex subunit and telomerase recruitment factor; minus strand). Cytogenetic location: 16q22.1.
Variant type: single nucleotide variant.
Coding change: c.170C>T on transcript NM_001082486.2 (MANE Select); coding-DNA position 170, C replaced by T.
Protein change: p.Thr57Met; replaces threonine 57 with methionine.
Molecular consequence: missense variant.
Genome position (GRCh38, 1-based): chr16:67,659,975, G>A on the plus strand (C>T on the coding strand, the complement: ACD is on the minus strand). VCF-style: chr16-67659975-G-A. GRCh37 (hg19) VCF-style: chr16-67693878-G-A.
Other names: c.161C>T, p.Thr54Met (NM_022914.3); short protein forms T54M, T57M.
Identifiers: ClinVar variation 1010403 (VCV001010403.10), dbSNP rs1383980242, ClinGen allele CA396356761.
Genomic context (GRCh38, chr16:67,659,975, plus strand): 5'-TCCAGGGCCTCCCGCGTCACCAGGCATCGGACACTGTGGGTCCCGTCAGACACAAGCAGC[G>A]TGGCCCCGACGTCGGACGTATCAGGGGCGTGGGATGGGCCCGCGACCGCGGCCTCGGCGT-3'
Protein context (NP_001075955.2, residues 47-67): HAPDTSDVGA[Thr57Met]LLVSDGTHSV

ClinVar aggregate classification (germline): Uncertain significance. Review status: criteria provided, multiple submitters, no conflicts (2 of 4 stars). 2 submissions from 2 submitters: Uncertain significance (2). Last evaluated 2024-03-18.

Conditions:
Inborn genetic diseases. Identifiers: MedGen C0950123, MeSH D030342.
Dyskeratosis congenita, autosomal dominant 6 (DKCA6). Identifiers: Orphanet 3322, MedGen C4225284, MONDO:0014690, OMIM 616553.

Allele frequency attached by ClinVar (database versions not stated): gnomAD exomes below 0.00001 and 0.00001.

Submissions (2):

Ambry Genetics
Classification: Uncertain significance for Inborn genetic diseases. Last evaluated: 2024-03-18. Review status: criteria provided, single submitter. Criteria: Ambry Variant Classification Scheme 2023. Collection method: clinical testing. Allele origin: germline.
Comment: The p.T143M variant (also known as c.428C>T), located in coding exon 2 of the ACD gene, results from a C to T substitution at nucleotide position 428. The threonine at codon 143 is replaced by methionine, an amino acid with similar properties. This amino acid position is conserved. In addition, this alteration is predicted to be tolerated by in silico analysis. Since supporting evidence is limited at this time, the clinical significance of this alteration remains unclear.

Labcorp Genetics (formerly Invitae), Labcorp
Classification: Uncertain significance for Dyskeratosis congenita, autosomal dominant 6. Last evaluated: 2020-10-25. Review status: criteria provided, single submitter. Criteria: Invitae Variant Classification Sherloc (09022015). Collection method: clinical testing. Allele origin: germline.
Comment: This sequence change replaces threonine with methionine at codon 143 of the ACD protein (p.Thr143Met). The threonine residue is weakly conserved and there is a moderate physicochemical difference between threonine and methionine. In summary, the available evidence is currently insufficient to determine the role of this variant in disease. Therefore, it has been classified as a Variant of Uncertain Significance. Algorithms developed to predict the effect of missense changes on protein structure and function output the following: SIFT: "Tolerated"; PolyPhen-2: "Benign"; Align-GVGD: "Class C0". The methionine amino acid residue is found in multiple mammalian species, suggesting that this missense change does not adversely affect protein function. These predictions have not been confirmed by published functional studies and their clinical significance is uncertain. This variant has not been reported in the literature in individuals with ACD-related conditions. This variant is not present in population databases (ExAC no frequency).